The following is an entry in ClinVar:

NM_015915.5(ATL1):c.1312A>G (p.Ser438Gly)

Gene: ATL1 (atlastin GTPase 1; plus strand). Cytogenetic location: 14q22.1.
Variant type: single nucleotide variant.
Coding change: c.1312A>G on transcript NM_015915.5 (MANE Select); coding-DNA position 1312, A replaced by G.
Protein change: p.Ser438Gly; replaces serine 438 with glycine.
Molecular consequence: missense variant.
Genome position (GRCh38, 1-based): chr14:50,628,223, A>G. VCF-style: chr14-50628223-A-G. GRCh37 (hg19) VCF-style: chr14-51094941-A-G.
Other names: c.1312A>G, p.Ser438Gly (NM_001127713.1, NM_181598.4); short protein forms S438G.
Identifiers: ClinVar variation 4873439 (VCV004873439.2).
Genomic context (GRCh38, chr14:50,628,223, plus strand): 5'-CTGCAGCAGTTGGAGAGTGAAATAGATGAACTTTACATCCAATATATCAAGCACAATGAT[A>G]GCAAAAATATCTTCCATGCAGCTCGTACCCCAGCCACACTGTTTGTAGTCATCTTTATCA-3'
Protein context (NP_056999.2, residues 428-448): LYIQYIKHND[Ser438Gly]KNIFHAARTP

ClinVar aggregate classification (germline): Uncertain significance (1 of 4 stars; one submission).

gnomAD v4.1: 2 of 1,614,206 alleles (0.00012%); highest among the groups gnomAD compares: Non-Finnish European, 0.00017%; no homozygotes.

Submission:

CeGaT Center for Human Genetics Tuebingen
Classification: Uncertain significance. Last evaluated: 2026-04-01. Review status: criteria provided, single submitter. Criteria: CeGaT Center For Human Genetics Tuebingen Variant Classification Criteria Version 2. Collection method: clinical testing. Allele origin: germline. Affected: yes. Observed: 1 variant allele.
Comment: ATL1: PM2